The following is an entry in ClinVar:

NM_001356.5(DDX3X):c.1421A>G (p.Asp474Gly)

Gene: DDX3X (DEAD-box helicase 3 X-linked; plus strand). Cytogenetic location: Xp11.4.
Variant type: single nucleotide variant.
Coding change: c.1421A>G on transcript NM_001356.5 (MANE Select); coding-DNA position 1421, A replaced by G.
Protein change: p.Asp474Gly; replaces aspartic acid 474 with glycine.
Molecular consequence: missense variant. On other transcripts: non-coding transcript variant (1).
Genome position (GRCh38, 1-based): chrX:41,346,334, A>G. VCF-style: chrX-41346334-A-G. GRCh37 (hg19) VCF-style: chrX-41205587-A-G.
Other names: c.1421A>G, p.Asp474Gly (NM_001193416.3); c.1373A>G, p.Asp458Gly (NM_001193417.3); c.863A>G, p.Asp288Gly (NM_001363819.1); short protein forms D288G, D458G, D474G.
Identifiers: ClinVar variation 1067046 (VCV001067046.9), dbSNP rs2147358546, ClinGen allele CA412775284.

ClinVar aggregate classification (germline): Likely pathogenic (1 of 4 stars; one submission).

Submission:

Labcorp Genetics (formerly Invitae), Labcorp
Classification: Likely pathogenic. Last evaluated: 2018-05-25. Review status: criteria provided, single submitter. Criteria: Invitae Variant Classification Sherloc (09022015). Collection method: clinical testing. Allele origin: germline.
Comment: In summary, the currently available evidence indicates that the variant is pathogenic, but additional data are needed to prove that conclusively. Therefore, this variant has been classified as Likely Pathogenic. Algorithms developed to predict the effect of missense changes on protein structure and function are either unavailable or do not agree on the potential impact of this missense change (SIFT: "Deleterious"; PolyPhen-2: "Not Available"; Align-GVGD: "Class C65"). This variant is not present in population databases (ExAC no frequency). This sequence change replaces aspartic acid with glycine at codon 474 of the DDX3X protein (p.Asp474Gly). The aspartic acid residue is highly conserved and there is a moderate physicochemical difference between aspartic acid and glycine.